The following is an entry in ClinVar:

NM_003172.4(SURF1):c.773C>G (p.Pro258Arg)

Gene: SURF1 (SURF1 cytochrome c oxidase assembly factor; minus strand). Cytogenetic location: 9q34.2.
Variant type: single nucleotide variant.
Coding change: c.773C>G on transcript NM_003172.4 (MANE Select); coding-DNA position 773, C replaced by G.
Protein change: p.Pro258Arg; replaces proline 258 with arginine.
Molecular consequence: missense variant.
Genome position (GRCh38, 1-based): chr9:133,352,121, G>C on the plus strand (C>G on the coding strand, the complement: SURF1 is on the minus strand). VCF-style: chr9-133352121-G-C. GRCh37 (hg19) VCF-style: chr9-136218976-G-C.
Other names: c.446C>G, p.Pro149Arg (NM_001280787.1); short protein forms P149R, P258R.
Identifiers: ClinVar variation 2053664 (VCV002053664.1), dbSNP rs2490613858, ClinGen allele CA375693543.

ClinVar aggregate classification (germline): Uncertain significance (1 of 4 stars; one submission).

Conditions:
Leigh syndrome (NULS). Also called: Leigh's necrotizing encephalopathy; Leigh's disease; Leigh Syndrome (mtDNA deletion); Subacute necrotizing encephalopathy; Necrotizing encephalopathy infantile subacute of Leigh; Leigh's syndrome. Identifiers: Orphanet 506, MedGen C2931891, MONDO:0009723, OMIM 256000.

Submission:

Labcorp Genetics (formerly Invitae), Labcorp
Classification: Uncertain significance for Leigh syndrome. Last evaluated: 2022-02-08. Review status: criteria provided, single submitter. Criteria: Invitae Variant Classification Sherloc (09022015). Collection method: clinical testing. Allele origin: germline.
Comment: This sequence change replaces proline, which is neutral and non-polar, with arginine, which is basic and polar, at codon 258 of the SURF1 protein (p.Pro258Arg). This variant is not present in population databases (gnomAD no frequency). This variant has not been reported in the literature in individuals affected with SURF1-related conditions. Algorithms developed to predict the effect of missense changes on protein structure and function are either unavailable or do not agree on the potential impact of this missense change (SIFT: "Deleterious"; PolyPhen-2: "Probably Damaging"; Align-GVGD: "Class C0"). This variant disrupts the p.Pro258Ser amino acid residue in SURF1. Other variant(s) that disrupt this residue have been determined to be pathogenic (PMID: 28639102, 29933018). This suggests that this residue is clinically significant, and that variants that disrupt this residue are likely to be disease-causing. In summary, the available evidence is currently insufficient to determine the role of this variant in disease. Therefore, it has been classified as a Variant of Uncertain Significance.

Literature cited by the submitters: PubMed 28639102; PubMed 29933018.